The following is an entry in ClinVar:

ClinVar aggregate classification (germline): Uncertain significance. Review status: criteria provided, multiple submitters, no conflicts (2 of 4 stars). 3 submissions from 3 submitters: Uncertain significance (3). Last evaluated 2024-09-17.

Conditions:
Short stature due to primary acid-labile subunit deficiency. Also called: Acid-labile subunit deficiency; Acid-labile subunit, deficiency of. Identifiers: Orphanet 140941, MedGen C3900122, MONDO:0014420, OMIM 615961.
Inborn genetic diseases. Identifiers: MedGen C0950123, MeSH D030342.

Allele frequency attached by ClinVar (database versions not stated): gnomAD 0.00001; ExAC 0.00003; TOPMed 0.00003.
gnomAD v4.1: 26 of 1,579,852 alleles (0.0016%); highest among the groups gnomAD compares: East Asian, 0.037%; no homozygotes.

Submissions (3):

GeneDx
Classification: Uncertain significance. Last evaluated: 2024-09-17. Review status: criteria provided, single submitter. Criteria: GeneDx Variant Classification Process June 2021. Collection method: clinical testing. Allele origin: germline. Affected: yes.
Comment: In silico analysis indicates that this missense variant does not alter protein structure/function; Has not been previously published as pathogenic or benign to our knowledge

Fulgent Genetics
Classification: Uncertain significance for Short stature due to primary acid-labile subunit deficiency. Last evaluated: 2024-05-21. Review status: criteria provided, single submitter. Criteria: ACMG Guidelines, 2015. Collection method: clinical testing. Allele origin: germline.

Ambry Genetics
Classification: Uncertain significance for Inborn genetic diseases. Last evaluated: 2022-01-26. Review status: criteria provided, single submitter. Criteria: Ambry Variant Classification Scheme 2023. Collection method: clinical testing. Allele origin: germline.

NM_004970.3(IGFALS):c.773C>T (p.Ala258Val)

Gene: IGFALS (insulin like growth factor binding protein acid labile subunit; minus strand). Cytogenetic location: 16p13.3.
Variant type: single nucleotide variant.
Coding change: c.773C>T on transcript NM_004970.3 (MANE Select); coding-DNA position 773, C replaced by T.
Protein change: p.Ala258Val; replaces alanine 258 with valine.
Molecular consequence: missense variant. On other transcripts: non-coding transcript variant (1).
Genome position (GRCh38, 1-based): chr16:1,791,645, G>A on the plus strand (C>T on the coding strand, the complement: IGFALS is on the minus strand). VCF-style: chr16-1791645-G-A. GRCh37 (hg19) VCF-style: chr16-1841646-G-A.
Other names: c.887C>T, p.Ala296Val (NM_001146006.2); short protein forms A258V, A296V.
Identifiers: ClinVar variation 2228683 (VCV002228683.4), dbSNP rs754732601, ClinGen allele CA7820493.